The following is an entry in ClinVar:

ClinVar aggregate classification (germline): Uncertain significance (1 of 4 stars; one submission).

Conditions:
Hypercoagulability syndrome due to glycosylphosphatidylinositol deficiency (GPIBD1). Also called: GLYCOSYLPHOSPHATIDYLINOSITOL BIOSYNTHESIS DEFECT 1. Identifiers: Orphanet 83639, MedGen C5201145, MONDO:0012465, OMIM 610293.

Submission:

Labcorp Genetics (formerly Invitae), Labcorp
Classification: Uncertain significance for Hypercoagulability syndrome due to glycosylphosphatidylinositol deficiency. Last evaluated: 2024-03-11. Review status: criteria provided, single submitter. Criteria: Invitae Variant Classification Sherloc (09022015). Collection method: clinical testing. Allele origin: germline.
Comment: This sequence change affects codon 167 of the PIGM mRNA. It is a 'silent' change, meaning that it does not change the encoded amino acid sequence of the PIGM protein. This variant is not present in population databases (gnomAD no frequency). This variant has not been reported in the literature in individuals affected with PIGM-related conditions. In summary, the available evidence is currently insufficient to determine the role of this variant in disease. Therefore, it has been classified as a Variant of Uncertain Significance.

NM_145167.3(PIGM):c.501G>T (p.Ala167=)

Gene: PIGM (phosphatidylinositol glycan anchor biosynthesis class M; minus strand). Cytogenetic location: 1q23.2.
Variant type: single nucleotide variant.
Coding change: c.501G>T on transcript NM_145167.3 (MANE Select); coding-DNA position 501, G replaced by T.
Protein change: p.Ala167=; no amino-acid change (alanine 167 retained).
Molecular consequence: synonymous variant.
Genome position (GRCh38, 1-based): chr1:160,031,239, C>A on the plus strand (G>T on the coding strand, the complement: PIGM is on the minus strand). VCF-style: chr1-160031239-C-A. GRCh37 (hg19) VCF-style: chr1-160001029-C-A.
Identifiers: ClinVar variation 3680678 (VCV003680678.2).